The following is an entry in ClinVar:

ClinVar aggregate classification (germline): Pathogenic/Likely pathogenic. Review status: criteria provided, multiple submitters, no conflicts (2 of 4 stars). 2 submissions from 2 submitters: Pathogenic (1); Likely pathogenic (1). Last evaluated 2025-04-24.

Conditions:
PIGG-related disorder. Also called: PIGG-related condition.
Intellectual disability, autosomal recessive 53 (NEDHSCA). Also called: GLYCOSYLPHOSPHATIDYLINOSITOL BIOSYNTHESIS DEFECT 13; Mental retardation, autosomal recessive 53; NEURODEVELOPMENTAL DISORDER WITH OR WITHOUT HYPOTONIA, SEIZURES, AND CEREBELLAR ATROPHY. Identifiers: Orphanet 488635, MedGen C4310794, MONDO:0014832, OMIM 616917.

Allele frequency attached by ClinVar (database versions not stated): gnomAD exomes below 0.00001; ExAC 0.00001.

Submissions (2):

Labcorp Genetics (formerly Invitae), Labcorp
Classification: Pathogenic for Intellectual disability, autosomal recessive 53. Last evaluated: 2025-04-24. Review status: criteria provided, single submitter. Criteria: Invitae Variant Classification Sherloc (09022015). Collection method: clinical testing. Allele origin: germline.
Comment: This sequence change creates a premature translational stop signal (p.Arg633*) in the PIGG gene. It is expected to result in an absent or disrupted protein product. Loss-of-function variants in PIGG are known to be pathogenic (PMID: 26996948, 28581210, 28771251). This variant is present in population databases (rs749476176, gnomAD 0.0009%). This variant has not been reported in the literature in individuals affected with PIGG-related conditions. ClinVar contains an entry for this variant (Variation ID: 2871376). Algorithms developed to predict the effect of sequence changes on RNA splicing suggest that this variant may disrupt the consensus splice site. For these reasons, this variant has been classified as Pathogenic.

Blueprint Genetics
Classification: Likely pathogenic for PIGG-related disorders. Last evaluated: 2024-01-11. Review status: criteria provided, single submitter. Criteria: ACMG Guidelines, 2015. Collection method: clinical testing. Allele origin: germline. Affected: yes. Observed: 2 variant alleles.

Literature cited by the submitters: PubMed 26996948 (cited by Labcorp Genetics (formerly Invitae), Labcorp); PubMed 28581210 (cited by Labcorp Genetics (formerly Invitae), Labcorp); PubMed 28771251 (cited by Labcorp Genetics (formerly Invitae), Labcorp).

NM_001127178.3(PIGG):c.1897C>T (p.Arg633Ter)

Gene: PIGG (phosphatidylinositol glycan anchor biosynthesis class G (EMM blood group); plus strand). Cytogenetic location: 4p16.3.
Variant type: single nucleotide variant.
Coding change: c.1897C>T on transcript NM_001127178.3 (MANE Select); coding-DNA position 1897, C replaced by T.
Protein change: p.Arg633Ter; replaces arginine 633 with a stop codon.
Molecular consequence: nonsense. On other transcripts: non-coding transcript variant (6).
Genome position (GRCh38, 1-based): chr4:523,741, C>T. VCF-style: chr4-523741-C-T. GRCh37 (hg19) VCF-style: chr4-517530-C-T.
Other names: c.1630C>T, p.Arg544Ter (NM_001289051.2, NM_001345986.2); c.1498C>T, p.Arg500Ter (NM_001289052.2); c.1606C>T, p.Arg536Ter (NM_001345987.2); c.868C>T, p.Arg290Ter (NM_001345988.2); c.364C>T, p.Arg122Ter (NM_001345990.2, NM_001345991.2); c.799C>T, p.Arg267Ter (NM_001345994.2); c.1873C>T, p.Arg625Ter (NM_017733.5); short protein forms R290*, R536*, R544*, R267*, R625*, R122*, R500*, R633*.
Identifiers: ClinVar variation 2871376 (VCV002871376.4), dbSNP rs749476176, ClinGen allele CA2793477.